The following is an entry in ClinVar:

NM_000057.4(BLM):c.2075-14T>C

Gene: BLM (BLM RecQ like helicase; plus strand). Cytogenetic location: 15q26.1.
Variant type: single nucleotide variant.
Coding change: c.2075-14T>C on transcript NM_000057.4 (MANE Select); 14 bases into the intron before coding-DNA position 2075, T replaced by C.
Molecular consequence: intron variant.
Genome position (GRCh38, 1-based): chr15:90,765,282, T>C. VCF-style: chr15-90765282-T-C. GRCh37 (hg19) VCF-style: chr15-91308512-T-C.
Other names: c.2075-14T>C (NM_001287246.2, NM_001287247.2, LRG_20t1 and 1 more transcripts); c.950-14T>C (NM_001287248.2).
Identifiers: ClinVar variation 136512 (VCV000136512.18), dbSNP rs28385026, ClinGen allele CA289695.
Genomic context (GRCh38, chr15:90,765,282, plus strand): 5'-ATTTCTTTTGTAACTTTTACATTCATGCTCTGAAGACAGAACCTGACAGATATTTTTTCA[T>C]TGTTCTCTTTCAGGAGGTGGTAAGAGTTTGTGTTACCAGCTCCCTGCCTGTGTTTCTCCT-3'

ClinVar aggregate classification (germline): Benign/Likely benign. Review status: criteria provided, multiple submitters, no conflicts (2 of 4 stars). 7 submissions from 7 submitters: Benign (5); Likely benign (1). 1 of the submissions does not count toward it. Last evaluated 2026-02-03.

Conditions:
Bloom syndrome (BLM). Also called: Bloom-Torre-Machacek syndrome. Identifiers: Orphanet 125, MedGen C0005859, MONDO:0008876, OMIM 210900.

Allele frequency attached by ClinVar (database versions not stated): gnomAD exomes 0.00062; ExAC 0.00077; gnomAD 0.00230 and 0.00240; TOPMed 0.00249; ESP Exome Variant Server 0.00308; 1000 Genomes Project 0.00319; 1000 Genomes Project 30x 0.00344.
gnomAD v4.1: 696 of 1,556,732 alleles (0.045%); highest among the groups gnomAD compares: African/African-American, 0.72%; 3 homozygotes.

Submissions (7):

Labcorp Genetics (formerly Invitae), Labcorp
Classification: Benign for Bloom syndrome. Last evaluated: 2026-02-03. Review status: criteria provided, single submitter. Criteria: Invitae Variant Classification Sherloc (09022015). Collection method: clinical testing. Allele origin: germline.

Blueprint Genetics
Classification: Likely benign. Last evaluated: 2024-11-18. Review status: criteria provided, single submitter. Criteria: ACMG Guidelines, 2015. Collection method: clinical testing. Allele origin: germline.

KCCC/NGS Laboratory, Kuwait Cancer Control Center
Classification: Benign for Bloom syndrome. Last evaluated: 2023-07-07. Review status: criteria provided, single submitter. Criteria: ACMG Guidelines, 2015. Collection method: clinical testing. Allele origin: germline. Affected: yes.

Illumina Laboratory Services, Illumina
Classification: Benign for Bloom syndrome. Last evaluated: 2017-04-27. Review status: criteria provided, single submitter. Criteria: ICSL Variant Classification Criteria 13 December 2019. Collection method: clinical testing. Allele origin: germline.
Comment: This variant was observed as part of a predisposition screen in an ostensibly healthy population. A literature search was performed for the gene, cDNA change, and amino acid change (where applicable). No publications were found based on this search. Allele frequency data from public databases was too high to be consistent with this variant causing disease. Therefore, this variant is classified as benign.

GeneDx
Classification: Benign. Last evaluated: 2013-10-22. Review status: criteria provided, single submitter. Criteria: GeneDx Variant Classification (06012015). Collection method: clinical testing. Allele origin: germline. Affected: yes.
Comment: This variant is considered likely benign or benign based on one or more of the following criteria: it is a conservative change, it occurs at a poorly conserved position in the protein, it is predicted to be benign by multiple in silico algorithms, and/or has population frequency not consistent with disease.

Breakthrough Genomics
Classification: Benign. Review status: criteria provided, single submitter. Criteria: ACMG Guidelines, 2015. Collection method: not provided. Allele origin: germline. Inheritance: Autosomal recessive inheritance. Affected: yes.

Natera, Inc.
Classification: Likely benign for Bloom syndrome. Last evaluated: 2018-04-09. Review status: no assertion criteria provided. Collection method: clinical testing. Allele origin: germline. Not counted in ClinVar's aggregate classification.